The following is an entry in ClinVar:

ClinVar aggregate classification (germline): Uncertain significance. Review status: criteria provided, multiple submitters, no conflicts (2 of 4 stars). 3 submissions from 3 submitters: Uncertain significance (3). Last evaluated 2026-07-01.

Conditions:
Glycogen storage disease, type II (IOPD). Also called: CARDIOMEGALIA GLYCOGENICA DIFFUSA; GLYCOGENOSIS, GENERALIZED, CARDIAC FORM; GSD II; POMPE DISEASE, INFANTILE-ONSET; GLYCOGEN STORAGE DISEASE II, INFANTILE-ONSET; ACID ALPHA-GLUCOSIDASE DEFICIENCY, INFANTILE-ONSET. Identifiers: Orphanet 365, MedGen C0017921, MONDO:0009290, OMIM 232300.

Allele frequency attached by ClinVar (database versions not stated): gnomAD exomes 0.00001.

Submissions (3):

Genomenon, Inc
Classification: Uncertain significance for Glycogen storage disease, type II. Last evaluated: 2026-07-01. Review status: criteria provided, single submitter. Criteria: Genomenon Sequence Variant Interpretation Standards - Updated. Collection method: curation. Allele origin: germline. Affected: yes.
Comment: GAA p.Phe490Leu (c.1468T>C) is a missense variant that changes the amino acid at codon 490 from Phenylalanine to Leucine. This variant has been observed in at least one proband with a GAA-related disorder (PMID:34072668). It is absent or not present at a significant frequency in gnomAD. In silico models predict that this variant is possibly or probably damaging. In conclusion, we classify GAA p.Phe490Leu (c.1468T>C) as a variant of uncertain significance.

Labcorp Genetics (formerly Invitae), Labcorp
Classification: Uncertain significance for Glycogen storage disease, type II. Last evaluated: 2024-10-24. Review status: criteria provided, single submitter. Criteria: Invitae Variant Classification Sherloc (09022015). Collection method: clinical testing. Allele origin: germline.
Comment: This sequence change replaces phenylalanine, which is neutral and non-polar, with leucine, which is neutral and non-polar, at codon 490 of the GAA protein (p.Phe490Leu). This variant is not present in population databases (gnomAD no frequency). This missense change has been observed in individual(s) with clincial features of Pompe disease (PMID: 23430949, 29181627). ClinVar contains an entry for this variant (Variation ID: 1398860). Invitae Evidence Modeling of protein sequence and biophysical properties (such as structural, functional, and spatial information, amino acid conservation, physicochemical variation, residue mobility, and thermodynamic stability) indicates that this missense variant is expected to disrupt GAA protein function with a positive predictive value of 95%. In summary, the available evidence is currently insufficient to determine the role of this variant in disease. Therefore, it has been classified as a Variant of Uncertain Significance.

Women's Health and Genetics/Laboratory Corporation of America, LabCorp
Classification: Uncertain significance. Last evaluated: 2024-08-22. Review status: criteria provided, single submitter. Criteria: LabCorp Variant Classification Summary - May 2015. Collection method: clinical testing. Allele origin: germline.
Comment: Variant summary: GAA c.1468T>C (p.Phe490Leu) results in a non-conservative amino acid change located in the Glycoside hydrolase family 31, TIM barrel domain (IPR000322) of the encoded protein sequence. Five of five in-silico tools predict a damaging effect of the variant on protein function. The variant was absent in 251130 control chromosomes. The available data on variant occurrences in the general population are insufficient to allow any conclusion about variant significance. c.1468T>C has been reported in the literature in at-least one individual affected with late-onset Pompe disease (example: Gal_2021). These data do not allow any conclusion about variant significance. To our knowledge, no experimental evidence demonstrating an impact on protein function has been reported. The following publications have been ascertained in the context of this evaluation (PMID: 34072668, 31254424, 23430949). ClinVar contains an entry for this variant (Variation ID: 1398860). Based on the evidence outlined above, the variant was classified as uncertain significance.

Literature cited by the submitters: PubMed 34072668 (cited by Genomenon, Inc and Women's Health and Genetics/Laboratory Corporation of America, LabCorp); PubMed 23430949 (cited by Labcorp Genetics (formerly Invitae), Labcorp and Women's Health and Genetics/Laboratory Corporation of America, LabCorp); PubMed 29181627 (cited by Labcorp Genetics (formerly Invitae), Labcorp); PubMed 31254424 (cited by Women's Health and Genetics/Laboratory Corporation of America, LabCorp).

NM_000152.5(GAA):c.1468T>C (p.Phe490Leu)

Gene: GAA (alpha glucosidase; plus strand). Cytogenetic location: 17q25.3.
Variant type: single nucleotide variant.
Coding change: c.1468T>C on transcript NM_000152.5 (MANE Select); coding-DNA position 1468, T replaced by C.
Protein change: p.Phe490Leu; replaces phenylalanine 490 with leucine.
Molecular consequence: missense variant.
Genome position (GRCh38, 1-based): chr17:80,110,757, T>C. VCF-style: chr17-80110757-T-C. GRCh37 (hg19) VCF-style: chr17-78084556-T-C.
Other names: c.1468T>C, p.Phe490Leu (NM_001079803.3, NM_001079804.3); short protein forms F490L.
Identifiers: ClinVar variation 1398860 (VCV001398860.8), dbSNP rs2143872278, ClinGen allele CA401366885.